The following is an entry in ClinVar:

ClinVar aggregate classification (germline): Pathogenic. Review status: criteria provided, multiple submitters, no conflicts (2 of 4 stars). 7 submissions from 7 submitters: Pathogenic (7). Last evaluated 2025-06-06.
ClinVar aggregate classification (oncogenicity): Likely oncogenic (1 of 4 stars; one submission).

Conditions:
APC-related disorder. Also called: APC-related condition.
Hereditary cancer-predisposing syndrome. Also called: Neoplastic Syndromes, Hereditary; Hereditary Cancer Syndrome; Tumor predisposition; Hereditary neoplastic syndrome. Identifiers: Orphanet 140162, MedGen C0027672, MeSH D009386, MONDO:0015356.
Familial adenomatous polyposis 1 (FAP1). Also called: POLYPOSIS, ADENOMATOUS INTESTINAL; FAMILIAL ADENOMATOUS POLYPOSIS 1, ATTENUATED. Identifiers: MedGen C2713442, MONDO:0021056, OMIM 175100. Disease mechanism: loss of function.
Neoplasm. Also called: Neoplasms; Neoplasm (disease); tumor. Identifiers: MedGen C0027651, MeSH D009369, MONDO:0005070, HP:0002664.

Submissions (8):

Center for Genomic Medicine, Rigshospitalet, Copenhagen University Hospital
Classification: Likely oncogenic for Neoplasm. Last evaluated: 2025-12-29. Review status: criteria provided, single submitter. Criteria: ClinGen/CGC/VICC Guidelines for Oncogenicity, 2022. Collection method: clinical testing. Allele origin: somatic. Affected: yes.

Molecular Pathology, Peter Maccallum Cancer Centre
Classification: Pathogenic for Familial adenomatous polyposis 1. Last evaluated: 2025-06-06. Review status: criteria provided, single submitter. Criteria: ACMG Guidelines, 2015. Collection method: clinical testing. Allele origin: germline. Inheritance: Autosomal dominant inheritance.

PreventionGenetics, part of Exact Sciences
Classification: Pathogenic for APC-related condition. Last evaluated: 2024-10-07. Review status: criteria provided, single submitter. Criteria: ACMG Guidelines, 2015. Collection method: clinical testing. Allele origin: germline.
Comment: The APC c.3925G>T variant is predicted to result in premature protein termination (p.Glu1309*). This variant has been reported in multiple individuals with familial adenomatous polyposis (Lagarde et al. 2010. PubMed ID: 20685668; Khider et al. 2022. PubMed ID: 35142982; Lee et al. 2022. PubMed ID: 35189564; Aretz et al. 2007. PubMed ID: 17486639). This variant has not been reported in a large population database, indicating this variant is rare. This variant is interpreted as pathogenic in ClinVar. Nonsense variants in APC are expected to be pathogenic. This variant is interpreted as pathogenic.

Ambry Genetics
Classification: Pathogenic for Hereditary cancer-predisposing syndrome. Last evaluated: 2023-10-03. Review status: criteria provided, single submitter. Criteria: Ambry Variant Classification Scheme 2023. Collection method: clinical testing. Allele origin: germline.
Comment: The p.E1309* pathogenic mutation (also known as c.3925G>T), located in coding exon 15 of the APC gene, results from a G to T substitution at nucleotide position 3925. This changes the amino acid from a glutamic acid to a stop codon within coding exon 15. This mutation has been described in French and Chinese familial adenomatous polyposis (FAP) patients (Lagarde A et al. J. Med. Genet. 2010 Oct;47(10):721-2, Yang, J et al. Oncology Letters 2016 Oct;12:4877-4882). In addition to the clinical data presented in the literature, this alteration is expected to result in loss of function by premature protein truncation or nonsense-mediated mRNA decay. As such, this alteration is interpreted as a disease-causing mutation.

Myriad Genetics, Inc.
Classification: Pathogenic for Familial adenomatous polyposis 1. Last evaluated: 2023-05-09. Review status: criteria provided, single submitter. Criteria: Myriad Autosomal Dominant, Autosomal Recessive and X-Linked Classification Criteria (2023). Collection method: clinical testing. Allele origin: unknown.
Comment: This variant is considered pathogenic. This variant creates a termination codon and is predicted to result in premature protein truncation.

Labcorp Genetics (formerly Invitae), Labcorp
Classification: Pathogenic for Familial adenomatous polyposis 1. Last evaluated: 2022-07-11. Review status: criteria provided, single submitter. Criteria: Invitae Variant Classification Sherloc (09022015). Collection method: clinical testing. Allele origin: germline.
Comment: This variant disrupts a region of the APC protein in which other variant(s) (p.Tyr2645Lysfs*14) have been determined to be pathogenic (PMID: 1316610, 8381579, 9824584, 22135120, 27081525; Invitae). This suggests that this is a clinically significant region of the protein, and that variants that disrupt it are likely to be disease-causing. This sequence change creates a premature translational stop signal (p.Glu1309*) in the APC gene. While this is not anticipated to result in nonsense mediated decay, it is expected to disrupt the last 1535 amino acid(s) of the APC protein. This variant is not present in population databases (gnomAD no frequency). This premature translational stop signal has been observed in individual(s) with familial adenomatous polyposis (PMID: 20685668, 35142982). ClinVar contains an entry for this variant (Variation ID: 824390). For these reasons, this variant has been classified as Pathogenic.

Clinical Genetics and Genomics, Karolinska University Hospital
Classification: Pathogenic. Last evaluated: 2019-01-25. Review status: criteria provided, single submitter. Criteria: ACMG Guidelines, 2015. Collection method: clinical testing. Allele origin: germline. Affected: yes. Observed: 1 variant allele.

University of Science and Technology Houari Boumediene, Laboratory of Molecular and Cellular Biology (LBCM)
Classification: Pathogenic for Familial adenomatous polyposis 1. Review status: criteria provided, single submitter. Criteria: ACMG Guidelines, 2015. Collection method: clinical testing. Allele origin: germline. Inheritance: Autosomal dominant inheritance. Affected: yes.

Literature cited by the submitters: PubMed 18199528 (cited by Center for Genomic Medicine, Rigshospitalet, Copenhagen University Hospital); PubMed 12721244 (cited by Ambry Genetics); PubMed 17486639 (cited by Ambry Genetics); PubMed 22864254 (cited by Ambry Genetics); PubMed 8187091 (cited by Ambry Genetics); PubMed 8544194 (cited by Ambry Genetics); PubMed 1316610 (cited by Labcorp Genetics (formerly Invitae), Labcorp); PubMed 8381579 (cited by Labcorp Genetics (formerly Invitae), Labcorp); PubMed 9824584 (cited by Labcorp Genetics (formerly Invitae), Labcorp); PubMed 22135120 (cited by Labcorp Genetics (formerly Invitae), Labcorp); PubMed 27081525 (cited by Labcorp Genetics (formerly Invitae), Labcorp); PubMed 20685668 (cited by Labcorp Genetics (formerly Invitae), Labcorp); PubMed 35142982 (cited by Labcorp Genetics (formerly Invitae), Labcorp and University of Science and Technology Houari Boumediene, Laboratory of Molecular and Cellular Biology (LBCM)).

NM_000038.6(APC):c.3925G>T (p.Glu1309Ter)

Gene: APC (APC regulator of Wnt signaling pathway; plus strand). Cytogenetic location: 5q22.2.
Variant type: single nucleotide variant.
Coding change: c.3925G>T on transcript NM_000038.6 (MANE Select); coding-DNA position 3925, G replaced by T.
Protein change: p.Glu1309Ter; replaces glutamic acid 1309 with a stop codon.
Molecular consequence: nonsense.
Genome position (GRCh38, 1-based): chr5:112,839,519, G>T. VCF-style: chr5-112839519-G-T. GRCh37 (hg19) VCF-style: chr5-112175216-G-T.
Other names: c.3925G>T, p.Glu1309Ter (NM_001127510.3, NM_001354895.2); c.3871G>T, p.Glu1291Ter (NM_001127511.3); c.3979G>T, p.Glu1327Ter (NM_001354896.2); c.3955G>T, p.Glu1319Ter (NM_001354897.2); c.3850G>T, p.Glu1284Ter (NM_001354898.2); c.3841G>T, p.Glu1281Ter (NM_001354899.2); c.3802G>T, p.Glu1268Ter (NM_001354900.2); c.3748G>T, p.Glu1250Ter (NM_001354901.2); and 5 more; short protein forms E1183*, E1250*, E1026*, E1208*, E1268*, E1281*, E1291*, E1327*.
Identifiers: ClinVar variation 824390 (VCV000824390.18), dbSNP rs1321583762, ClinGen allele CA16029947.